The following is an entry in ClinVar:

NM_032634.4(PIGO):c.2921del (p.Gln974fs)

Gene: PIGO (phosphatidylinositol glycan anchor biosynthesis class O; minus strand). Cytogenetic location: 9p13.3.
Variant type: Deletion.
Coding change: c.2921del on transcript NM_032634.4 (MANE Select); coding-DNA position 2921, one base deleted (A; older notation c.2921delA).
Protein change: p.Gln974fs; shifts the reading frame from glutamine 974.
Molecular consequence: frameshift variant.
Genome position (GRCh38, 1-based): chr9:35,090,214, T deleted on the plus strand (A on the coding strand, the reverse complement: PIGO is on the minus strand). VCF-style (leftmost placement, unchanged base first): chr9-35090213-CT-C. GRCh37 (hg19) VCF-style: chr9-35090210-CT-C.
Other names: c.1670del, p.Gln557fs (NM_001201484.2, NM_152850.4); short protein forms Q974fs, Q557fs.
Identifiers: ClinVar variation 953680 (VCV000953680.7), dbSNP rs1829352034, ClinGen allele CA1139660978.

ClinVar aggregate classification (germline): Pathogenic (1 of 4 stars; one submission).

Conditions:
Hyperphosphatasia with impaired intellectual development syndrome 2. Also called: Hyperphosphatasia with intellectual disability syndrome 2; GLYCOSYLPHOSPHATIDYLINOSITOL BIOSYNTHESIS DEFECT 6. Identifiers: Orphanet 247262, MedGen C3553637, MONDO:0013882, OMIM 614749.

Submission:

Labcorp Genetics (formerly Invitae), Labcorp
Classification: Pathogenic for Hyperphosphatasia with impaired intellectual development syndrome 2. Last evaluated: 2019-08-11. Review status: criteria provided, single submitter. Criteria: Invitae Variant Classification Sherloc (09022015). Collection method: clinical testing. Allele origin: germline.
Comment: This sequence change creates a premature translational stop signal (p.Gln974Argfs*20) in the PIGO gene. It is expected to result in an absent or disrupted protein product. This variant is not present in population databases (ExAC no frequency). This variant has not been reported in the literature in individuals with PIGO-related conditions. Loss-of-function variants in PIGO are known to be pathogenic (PMID: 22683086, 24417746). For these reasons, this variant has been classified as Pathogenic.

Literature cited by the submitters: PubMed 22683086; PubMed 24417746.